The following is an entry in ClinVar:

NM_006019.4(TCIRG1):c.1928T>C (p.Met643Thr)

Gene: TCIRG1 (T cell immune regulator 1, ATPase H+ transporting V0 subunit a3; plus strand). Cytogenetic location: 11q13.2.
Variant type: single nucleotide variant.
Coding change: c.1928T>C on transcript NM_006019.4 (MANE Select); coding-DNA position 1928, T replaced by C.
Protein change: p.Met643Thr; replaces methionine 643 with threonine.
Molecular consequence: missense variant.
Genome position (GRCh38, 1-based): chr11:68,049,703, T>C. VCF-style: chr11-68049703-T-C. GRCh37 (hg19) VCF-style: chr11-67817170-T-C.
Other names: c.1034T>C, p.Met345Thr (NM_001351059.2); c.1280T>C, p.Met427Thr (NM_006053.4); short protein forms M345T, M427T, M643T.
Identifiers: ClinVar variation 1980242 (VCV001980242.3), dbSNP rs757615984, ClinGen allele CA6147323.

ClinVar aggregate classification (germline): Uncertain significance (1 of 4 stars; one submission).

Allele frequency attached by ClinVar (database versions not stated): ExAC 0.00001; gnomAD exomes 0.00001.

Submission:

Labcorp Genetics (formerly Invitae), Labcorp
Classification: Uncertain significance. Last evaluated: 2025-03-10. Review status: criteria provided, single submitter. Criteria: Invitae Variant Classification Sherloc (09022015). Collection method: clinical testing. Allele origin: germline.
Comment: This sequence change replaces methionine, which is neutral and non-polar, with threonine, which is neutral and polar, at codon 643 of the TCIRG1 protein (p.Met643Thr). The frequency data for this variant in the population databases is considered unreliable, as metrics indicate poor data quality at this position in the gnomAD database. This variant has not been reported in the literature in individuals affected with TCIRG1-related conditions. ClinVar contains an entry for this variant (Variation ID: 1980242). Invitae Evidence Modeling of protein sequence and biophysical properties (such as structural, functional, and spatial information, amino acid conservation, physicochemical variation, residue mobility, and thermodynamic stability) indicates that this missense variant is not expected to disrupt TCIRG1 protein function with a negative predictive value of 80%. In summary, the available evidence is currently insufficient to determine the role of this variant in disease. Therefore, it has been classified as a Variant of Uncertain Significance.